The following is an entry in ClinVar:

ClinVar aggregate classification (germline): Uncertain significance (1 of 4 stars; one submission).

Allele frequency attached by ClinVar (database versions not stated): gnomAD 0.00001; gnomAD exomes 0.00001.
gnomAD v4.1: 11 of 1,612,652 alleles (0.00068%); highest among the groups gnomAD compares: East Asian, 0.0022%; no homozygotes.

Submission:

Labcorp Genetics (formerly Invitae), Labcorp
Classification: Uncertain significance. Last evaluated: 2025-09-03. Review status: criteria provided, single submitter. Criteria: Invitae Variant Classification Sherloc (09022015). Collection method: clinical testing. Allele origin: germline.
Comment: This sequence change replaces alanine, which is neutral and non-polar, with threonine, which is neutral and polar, at codon 1627 of the CCDC88C protein (p.Ala1627Thr). This variant is present in population databases (no rsID available, gnomAD 0.003%). This variant has not been reported in the literature in individuals affected with CCDC88C-related conditions. ClinVar contains an entry for this variant (Variation ID: 1959243). An algorithm developed to predict the effect of missense changes on protein structure and function outputs the following: PolyPhen-2: "Benign". The threonine amino acid residue is found in multiple mammalian species, which suggests that this missense change does not adversely affect protein function. In summary, the available evidence is currently insufficient to determine the role of this variant in disease. Therefore, it has been classified as a Variant of Uncertain Significance.

NM_001080414.4(CCDC88C):c.4879G>A (p.Ala1627Thr)

Gene: CCDC88C (coiled-coil and HOOK domain protein 88C; minus strand). Cytogenetic location: 14q32.11.
Variant type: single nucleotide variant.
Coding change: c.4879G>A on transcript NM_001080414.4 (MANE Select); coding-DNA position 4879, G replaced by A.
Protein change: p.Ala1627Thr; replaces alanine 1627 with threonine.
Molecular consequence: missense variant.
Genome position (GRCh38, 1-based): chr14:91,278,101, C>T on the plus strand (G>A on the coding strand, the complement: CCDC88C is on the minus strand). VCF-style: chr14-91278101-C-T. GRCh37 (hg19) VCF-style: chr14-91744445-C-T.
Other names: short protein forms A1627T.
Identifiers: ClinVar variation 1959243 (VCV001959243.4), dbSNP rs1218854931, ClinGen allele CA390612421.
Genomic context (GRCh38, chr14:91,278,101, plus strand): 5'-GGGCACCCTCCTGTGGGAGAGGCCCGTTCCGAGGCAAGGGGTACTCGTGGCGGCCGAGGG[C>T]GTTGCGTCCCGGTGTGCTGGCTTCCCGGGGCAAAGTGGCCAGGTCCCTGCTGGGGATCAG-3'
Protein context (NP_001073883.2, residues 1617-1637): PREASTPGRN[Ala1627Thr]LGRHEYPLPR